The following is an entry in ClinVar:

NM_001458.5(FLNC):c.2033A>G (p.Glu678Gly)

Gene: FLNC (filamin C; plus strand). Cytogenetic location: 7q32.1.
Variant type: single nucleotide variant.
Coding change: c.2033A>G on transcript NM_001458.5 (MANE Select); coding-DNA position 2033, A replaced by G.
Protein change: p.Glu678Gly; replaces glutamic acid 678 with glycine.
Molecular consequence: missense variant.
Genome position (GRCh38, 1-based): chr7:128,841,479, A>G. VCF-style: chr7-128841479-A-G. GRCh37 (hg19) VCF-style: chr7-128481533-A-G.
Other names: c.2033A>G, p.Glu678Gly (NM_001127487.2); short protein forms E678G.
Identifiers: ClinVar variation 843289 (VCV000843289.11), dbSNP rs1232073461, ClinGen allele CA369227673.

ClinVar aggregate classification (germline): Uncertain significance. Review status: criteria provided, multiple submitters, no conflicts (2 of 4 stars). 2 submissions from 2 submitters: Uncertain significance (2). Last evaluated 2025-10-17.

Conditions:
Myofibrillar myopathy 5. Also called: Filaminopathy (type); FILAMINOPATHY, AUTOSOMAL DOMINANT. Identifiers: Orphanet 171445, MedGen C1836050, MONDO:0012289, OMIM 609524.
Distal myopathy with posterior leg and anterior hand involvement. Also called: WILLIAMS DISTAL MYOPATHY. Identifiers: Orphanet 63273, MedGen C3279722, MONDO:0013550, OMIM 614065.
Hypertrophic cardiomyopathy 26. Also called: Cardiomyopathy, familial hypertrophic, 26. Identifiers: Orphanet 75249, MedGen C4310749, MONDO:0014883, OMIM 617047.

Allele frequency attached by ClinVar (database versions not stated): gnomAD exomes below 0.00001.
gnomAD v4.1: 1 of 1,614,112 alleles (0.000062%); highest among the groups gnomAD compares: Non-Finnish European, 0.000085%; no homozygotes.

Submissions (2):

Labcorp Genetics (formerly Invitae), Labcorp
Classification: Uncertain significance for Distal myopathy with posterior leg and anterior hand involvement; Myofibrillar myopathy 5; Hypertrophic cardiomyopathy 26. Last evaluated: 2025-10-17. Review status: criteria provided, single submitter. Criteria: Invitae Variant Classification Sherloc (09022015). Collection method: clinical testing. Allele origin: germline.
Comment: This sequence change replaces glutamic acid, which is acidic and polar, with glycine, which is neutral and non-polar, at codon 678 of the FLNC protein (p.Glu678Gly). This variant is present in population databases (no rsID available, gnomAD 0.002%). This variant has not been reported in the literature in individuals affected with FLNC-related conditions. ClinVar contains an entry for this variant (Variation ID: 843289). Invitae Evidence Modeling of protein sequence and biophysical properties (such as structural, functional, and spatial information, amino acid conservation, physicochemical variation, residue mobility, and thermodynamic stability) has been performed for this missense variant. However, the output from this modeling did not meet the statistical confidence thresholds required to predict the impact of this variant on FLNC protein function. In summary, the available evidence is currently insufficient to determine the role of this variant in disease. Therefore, it has been classified as a Variant of Uncertain Significance.

GeneDx
Classification: Uncertain significance. Last evaluated: 2025-03-17. Review status: criteria provided, single submitter. Criteria: GeneDx Variant Classification Process June 2021. Collection method: clinical testing. Allele origin: germline. Affected: yes.
Comment: Not observed at significant frequency in large population cohorts (gnomAD); In silico analysis supports that this missense variant has a deleterious effect on protein structure/function; Has not been previously published as pathogenic or benign to our knowledge